The following is an entry in ClinVar:

ClinVar aggregate classification (germline): Uncertain significance (1 of 4 stars; one submission).

gnomAD v4.1: 7 of 1,614,098 alleles (0.00043%); highest among the groups gnomAD compares: African/African-American, 0.0013%; no homozygotes.

Submission:

Labcorp Genetics (formerly Invitae), Labcorp
Classification: Uncertain significance. Last evaluated: 2024-11-29. Review status: criteria provided, single submitter. Criteria: Invitae Variant Classification Sherloc (09022015). Collection method: clinical testing. Allele origin: germline.
Comment: This sequence change replaces isoleucine, which is neutral and non-polar, with serine, which is neutral and polar, at codon 201 of the TFRC protein (p.Ile201Ser). This variant is present in population databases (no rsID available, gnomAD 0.0009%). This variant has not been reported in the literature in individuals affected with TFRC-related conditions. Invitae Evidence Modeling of protein sequence and biophysical properties (such as structural, functional, and spatial information, amino acid conservation, physicochemical variation, residue mobility, and thermodynamic stability) indicates that this missense variant is not expected to disrupt TFRC protein function with a negative predictive value of 80%. Algorithms developed to predict the effect of sequence changes on RNA splicing suggest that this variant may disrupt the consensus splice site. In summary, the available evidence is currently insufficient to determine the role of this variant in disease. Therefore, it has been classified as a Variant of Uncertain Significance.

NM_001128148.3(TFRC):c.602T>G (p.Ile201Ser)

Gene: TFRC (transferrin receptor; minus strand). Cytogenetic location: 3q29.
Variant type: single nucleotide variant.
Coding change: c.602T>G on transcript NM_001128148.3 (MANE Select); coding-DNA position 602, T replaced by G.
Protein change: p.Ile201Ser; replaces isoleucine 201 with serine.
Molecular consequence: missense variant. On other transcripts: 5 prime UTR variant (1).
Genome position (GRCh38, 1-based): chr3:196,071,481, A>C on the plus strand (T>G on the coding strand, the complement: TFRC is on the minus strand). VCF-style: chr3-196071481-A-C. GRCh37 (hg19) VCF-style: chr3-195798352-A-C.
Other names: c.359T>G, p.Ile120Ser (NM_001313965.2); c.-245T>G (NM_001313966.2); c.602T>G, p.Ile201Ser (NM_003234.4); short protein forms I201S, I120S.
Identifiers: ClinVar variation 3700391 (VCV003700391.2).